The following is an entry in ClinVar:

ClinVar aggregate classification (germline): Benign/Likely benign. Review status: criteria provided, multiple submitters, no conflicts (2 of 4 stars). 6 submissions from 6 submitters: Benign (5); Likely benign (1). Last evaluated 2026-01-29.

Conditions:
MOGS-congenital disorder of glycosylation. Also called: CDG IIb; GLUCOSIDASE I DEFICIENCY; CDG 2B; MOGS-CDG. Identifiers: Orphanet 79330, MedGen C1853736, MONDO:0011629, OMIM 606056.

Allele frequency attached by ClinVar (database versions not stated): gnomAD exomes 0.00232 and 0.00587; ExAC 0.00707; gnomAD 0.02341 and 0.02517; ESP Exome Variant Server 0.02544; TOPMed 0.02634; 1000 Genomes Project 30x 0.02639; 1000 Genomes Project 0.02656.

Submissions (6):

Labcorp Genetics (formerly Invitae), Labcorp
Classification: Benign for MOGS-congenital disorder of glycosylation. Last evaluated: 2026-01-29. Review status: criteria provided, single submitter. Criteria: Invitae Variant Classification Sherloc (09022015). Collection method: clinical testing. Allele origin: germline.

Women's Health and Genetics/Laboratory Corporation of America, LabCorp
Classification: Likely benign. Last evaluated: 2026-01-22. Review status: criteria provided, single submitter. Criteria: LabCorp Variant Classification Summary - May 2015. Collection method: clinical testing. Allele origin: germline.

ARUP Laboratories, Molecular Genetics and Genomics, ARUP Laboratories
Classification: Benign for MOGS-congenital disorder of glycosylation. Last evaluated: 2025-07-08. Review status: criteria provided, single submitter. Criteria: ARUP Molecular Germline Variant Investigation Process 2024. Collection method: clinical testing. Allele origin: germline.

Mayo Clinic Laboratories, Mayo Clinic
Classification: Benign. Last evaluated: 2024-10-17. Review status: criteria provided, single submitter. Criteria: ACMG Guidelines, 2015. Collection method: clinical testing. Allele origin: germline. Observed: 2 variant alleles.

GeneDx
Classification: Benign. Last evaluated: 2016-02-12. Review status: criteria provided, single submitter. Criteria: GeneDx Variant Classification (06012015). Collection method: clinical testing. Allele origin: germline. Affected: yes.
Comment: This variant is considered likely benign or benign based on one or more of the following criteria: it is a conservative change, it occurs at a poorly conserved position in the protein, it is predicted to be benign by multiple in silico algorithms, and/or has population frequency not consistent with disease.

Breakthrough Genomics
Classification: Benign. Review status: criteria provided, single submitter. Criteria: ACMG Guidelines, 2015. Collection method: not provided. Allele origin: germline. Inheritance: Autosomal recessive inheritance. Affected: yes.

NM_006302.3(MOGS):c.2032C>T (p.Arg678Trp)

Gene: MOGS (mannosyl-oligosaccharide glucosidase; minus strand). Cytogenetic location: 2p13.1.
Variant type: single nucleotide variant.
Coding change: c.2032C>T on transcript NM_006302.3 (MANE Select); coding-DNA position 2032, C replaced by T.
Protein change: p.Arg678Trp; replaces arginine 678 with tryptophan.
Molecular consequence: missense variant.
Genome position (GRCh38, 1-based): chr2:74,461,757, G>A on the plus strand (C>T on the coding strand, the complement: MOGS is on the minus strand). VCF-style: chr2-74461757-G-A. GRCh37 (hg19) VCF-style: chr2-74688884-G-A.
Other names: p.Arg678Trp; c.2032C>T, p.Arg678Trp (LRG_1226t1); c.1714C>T, p.Arg572Trp (NM_001146158.2); short protein forms R678W, R572W.
Identifiers: ClinVar variation 337105 (VCV000337105.22), dbSNP rs13405869, ClinGen allele CA1724674.